The following is an entry in ClinVar:

NM_001035.3(RYR2):c.1199A>G (p.Asp400Gly)

Gene: RYR2 (ryanodine receptor 2; plus strand). Cytogenetic location: 1q43.
Variant type: single nucleotide variant.
Coding change: c.1199A>G on transcript NM_001035.3 (MANE Select); coding-DNA position 1199, A replaced by G.
Protein change: p.Asp400Gly; replaces aspartic acid 400 with glycine.
Molecular consequence: missense variant.
Genome position (GRCh38, 1-based): chr1:237,445,429, A>G. VCF-style: chr1-237445429-A-G. GRCh37 (hg19) VCF-style: chr1-237608729-A-G.
Other names: short protein forms D400G.
Identifiers: ClinVar variation 2806184 (VCV002806184.3), dbSNP rs2528379037, ClinGen allele CA345377496.

ClinVar aggregate classification (germline): Likely pathogenic (1 of 4 stars; one submission).

Conditions:
Catecholaminergic polymorphic ventricular tachycardia 1. Also called: RYR2-Related Catecholaminergic Polymorphic Ventricular Tachycardia; VENTRICULAR TACHYCARDIA, CATECHOLAMINERGIC POLYMORPHIC, 1, WITH OR WITHOUT ATRIAL DYSFUNCTION AND/OR DILATED CARDIOMYOPATHY; VENTRICULAR TACHYCARDIA, STRESS-INDUCED POLYMORPHIC 1. Identifiers: Orphanet 3286, MedGen C1631597, MONDO:0011484, OMIM 604772.

Submission:

Labcorp Genetics (formerly Invitae), Labcorp
Classification: Likely pathogenic for Catecholaminergic polymorphic ventricular tachycardia 1. Last evaluated: 2024-06-09. Review status: criteria provided, single submitter. Criteria: Invitae Variant Classification Sherloc (09022015). Collection method: clinical testing. Allele origin: germline.
Comment: This sequence change replaces aspartic acid, which is acidic and polar, with glycine, which is neutral and non-polar, at codon 400 of the RYR2 protein (p.Asp400Gly). This variant is not present in population databases (gnomAD no frequency). This variant has not been reported in the literature in individuals affected with RYR2-related conditions. Advanced modeling of protein sequence and biophysical properties (such as structural, functional, and spatial information, amino acid conservation, physicochemical variation, residue mobility, and thermodynamic stability) performed at Invitae indicates that this missense variant is expected to disrupt RYR2 protein function with a positive predictive value of 95%. This variant disrupts the p.Asp400 amino acid residue in RYR2. Other variant(s) that disrupt this residue have been determined to be pathogenic (Invitae). This suggests that this residue is clinically significant, and that variants that disrupt this residue are likely to be disease-causing. In summary, the currently available evidence indicates that the variant is pathogenic, but additional data are needed to prove that conclusively. Therefore, this variant has been classified as Likely Pathogenic.